The following is an entry in ClinVar:

NM_021813.4(BACH2):c.946C>T (p.Pro316Ser)

Gene: BACH2 (BACH transcriptional regulator 2; minus strand). Cytogenetic location: 6q15.
Variant type: single nucleotide variant.
Coding change: c.946C>T on transcript NM_021813.4 (MANE Select); coding-DNA position 946, C replaced by T.
Protein change: p.Pro316Ser; replaces proline 316 with serine.
Molecular consequence: missense variant.
Genome position (GRCh38, 1-based): chr6:89,951,160, G>A on the plus strand (C>T on the coding strand, the complement: BACH2 is on the minus strand). VCF-style: chr6-89951160-G-A. GRCh37 (hg19) VCF-style: chr6-90660879-G-A.
Other names: c.946C>T, p.Pro316Ser (NM_001170794.2); short protein forms P316S.
Identifiers: ClinVar variation 1969403 (VCV001969403.5), dbSNP rs1349382749, ClinGen allele CA365071881.

ClinVar aggregate classification (germline): Uncertain significance (1 of 4 stars; one submission).

Submission:

Labcorp Genetics (formerly Invitae), Labcorp
Classification: Uncertain significance. Last evaluated: 2022-02-11. Review status: criteria provided, single submitter. Criteria: Invitae Variant Classification Sherloc (09022015). Collection method: clinical testing. Allele origin: germline.
Comment: In summary, the available evidence is currently insufficient to determine the role of this variant in disease. Therefore, it has been classified as a Variant of Uncertain Significance. This sequence change replaces proline, which is neutral and non-polar, with serine, which is neutral and polar, at codon 316 of the BACH2 protein (p.Pro316Ser). This variant is not present in population databases (gnomAD no frequency). This variant has not been reported in the literature in individuals affected with BACH2-related conditions. Algorithms developed to predict the effect of missense changes on protein structure and function are either unavailable or do not agree on the potential impact of this missense change (SIFT: "Deleterious"; PolyPhen-2: "Possibly Damaging"; Align-GVGD: "Class C0").